The following continues an entry in ClinVar:

NM_001243279.3(ACSF3):c.1672C>T (p.Arg558Trp)

Gene: ACSF3. ClinVar aggregate classification (germline): Pathogenic/Likely pathogenic. Pathogenic (18); Likely pathogenic (6).

Submissions 13 to 26 of 26:

ARUP Laboratories, Molecular Genetics and Genomics, ARUP Laboratories
Classification: Pathogenic for Combined malonic and methylmalonic acidemia. Last evaluated: 2024-08-09. Review status: criteria provided, single submitter. Criteria: ARUP Molecular Germline Variant Investigation Process 2024. Collection method: clinical testing. Allele origin: germline.
Comment: The ACSF3 c.1672C>T;p.Arg558Trp variant (rs141090143, ClinVar Variation ID: 31134) is reported in the literature in the homozygous form, and in trans with other ACSF3 variants in three patients with various neurological problems, ages 16-56. All patients had abnormal levels of methylmalonic acid (MMA) and were diagnosed with combined malonic and methylmalonic aciduria (CMAMMA) (Sloan 2011, Pupavac 2016). This variant has also been identified in individuals with favorable clinical courses but abnormal newborn screening results (Levtova 2019). This variant is found in the general population with an overall allele frequency of 0.26% (724/279804 alleles, including 1 homozygote) in the Genome Aggregation Database (v2.1.1). In vitro functional studies showed that fibroblasts from these four individuals produced 2.4 - 6-times more MMA than control cells, and viral complementation of ACSF3 corrected the cellular metabolic defect (Sloan 2011). Computational analyses are uncertain whether this variant is neutral or deleterious (REVEL: 0.503). Based on the available information, the p.Arg558Trp variant is considered pathogenic. References: Levtova et al. Combined malonic and methylmalonic aciduria due to ACSF3 mutations: Benign clinical course in an unselected cohort. J Inherit Metab Dis. 2019 Jan;42(1):107-116. PMID: 30740739. Pupavac et al. Added value of next generation gene panel analysis for patients with elevated methylmalonic acid and no clinical diagnosis following functional studies of vitamin B12 metabolism. Mol Genet Metab. 2016 Mar;117(3):363-8. PMID: 26827111. Sloan et al. Exome sequencing identifies ACSF3 as a cause of combined malonic and methylmalonic aciduria. Nat Genet. 2011 Aug 14;43(9):883-6. PMID: 21841779.

Fulgent Genetics
Classification: Likely pathogenic for Combined malonic and methylmalonic acidemia. Last evaluated: 2024-06-07. Review status: criteria provided, single submitter. Criteria: ACMG Guidelines, 2015. Collection method: clinical testing. Allele origin: germline.

Baylor Genetics
Classification: Pathogenic for Combined malonic and methylmalonic acidemia. Last evaluated: 2024-03-30. Review status: criteria provided, single submitter. Criteria: ACMG Guidelines, 2015. Collection method: clinical testing. Allele origin: unknown.

Laboratory for Molecular Medicine, Mass General Brigham Personalized Medicine
Classification: Likely pathogenic for Combined malonic and methylmalonic acidemia. Last evaluated: 2024-03-25. Review status: criteria provided, single submitter. Criteria: ACMG Guidelines, 2015. Collection method: clinical testing. Allele origin: germline. Inheritance: Autosomal recessive inheritance.
Comment: The p.Arg558Trp variant in ACSF3 has been reported in >10 homozygous or compound heterozygous individuals with features of combined malonic and methylmalonic acidemia, however some of those patients were asymptomatic and only had elevated methyl malonic acid levels. In several cases, this variant was found with another likely pathogenic or pathogenic variant in ACSF3, and confirmed to be in trans in at least 1 individual (Sloan 2011 PMID: 21841779, Pupavac 2016 PMID: 26827111, Levtova 2019 PMID: 30740739). At least one patient responded to cobalamin treatment (Pupavac 2016 PMID: 26827111). It was found to segregate in one sibling who had elevated methyl malonic acid levels but without clinical concerns (Levtova 2019 PMID: 30740739). This variant has also been reported by other clinical laboratories in ClinVar (Variation ID 31134). In addition, this variant has been identified in 0.58% (6822/1179774) of European chromosomes, including 18 total homozygotes by gnomAD (v.4.0.0). Although the frequency is appreciable, it is consistent with the clinical manifestation of the disease. In vitro functional studies using fibroblasts from affected homozygous and compound heterozygous individuals show increased accumulation of methylmalonic acid fibroblasts, that was restored to normal levels after transfection of a viral vector containing the ACSF3 gene, (Sloan 2011 PMID: 21841779). Computational prediction tools and conservation analyses do not provide strong support for or against an impact to the protein. In summary, although additional studies are required to fully establish its clinical significance, this variant meets criteria to be classified as likely pathogenic for autosomal recessive combined malonic and methylmalonic acidemia, however the impact of the biochemical phenotype on clinical features is variable. ACMG/AMP Criteria applied: PM3_VeryStrong, PP4, PP1.

Department of Pathology and Laboratory Medicine, Sinai Health System
Classification: Pathogenic for Combined malonic and methylmalonic acidemia. Last evaluated: 2023-03-06. Review status: criteria provided, single submitter. Criteria: ACMG Guidelines, 2015. Collection method: research. Allele origin: germline.

Greenwood Genetic Center Diagnostic Laboratories, Greenwood Genetic Center
Classification: Pathogenic for Combined malonic and methylmalonic acidemia. Last evaluated: 2021-12-29. Review status: criteria provided, single submitter. Criteria: ACMG Guidelines, 2015. Collection method: clinical testing. Allele origin: germline. Affected: yes.
Comment: PM1, PS3, PM3

Clinical Genomics Laboratory, Stanford Medicine
Classification: Pathogenic for Combined malonic and methylmalonic acidemia. Last evaluated: 2021-07-21. Review status: criteria provided, single submitter. Criteria: ACMG Guidelines, 2015. Collection method: clinical testing. Allele origin: germline. Inheritance: Autosomal recessive inheritance. Affected: yes. Observed: 1 compound heterozygote.
Comment: The p.Arg558Trp variant in the ACSF3 gene has been identified in the homozygous or compound heterozygous state in many individuals diagnosed with CMAMMA (Sloan et al., 2011; Pupavac et al., 2016; Levtova et al., 2019). In several cases, this variant was confirmed to be in trans with another likely pathogenic or pathogenic variant (p.E359K, 1.7 Mb deletion spanning ACSF3), consistent with autosomal recessive inheritance. The p.Arg558Trp variant has been identified in 612/127,754 European non-Finnish chromosomes, including 1 homozygote, by the Genome Aggregation Database. Although this variant has been seen in the general population, its frequency is low enough to be consistent with an autosomal recessive condition with reduced penetrance. Functional studies of the p.Arg558Trp variant are supportive of a deleterious effect to the protein showing significantly increased accumulation of methylmalonic acid in patient fibroblasts (Sloan et al., 2011). Computational tools also predict that this variant is deleterious; however, the accuracy of in silico algorithms is limited. These data were assessed using the ACMG/AMP variant interpretation guidelines. In summary, there is sufficient evidence to classify the p.Arg558Trp variant as pathogenic for autosomal recessive combined malonic and methylmalonic aciduria based on the information above. [ACMG evidence codes used: PM3_VeryStrong; PS3_Supporting; PP3]

Women's Health and Genetics/Laboratory Corporation of America, LabCorp
Classification: Pathogenic for Combined malonic and methylmalonic aciduria. Last evaluated: 2020-12-04. Review status: criteria provided, single submitter. Criteria: LabCorp Variant Classification Summary - May 2015. Collection method: clinical testing. Allele origin: germline.
Comment: Variant summary: ACSF3 c.1672C>T (p.Arg558Trp) results in a non-conservative amino acid change located in the C-terminal domain (IPR025110) of the encoded protein sequence. Four of five in-silico tools predict a damaging effect of the variant on protein function. The variant allele was found at a frequency of 0.0026 in 248458 control chromosomes (gnomAD). The variant, c.1672C>T, has been reported in the literature in multiple homozygous and compound heterozygous individuals affected with Combined Malonic and Methylmalonic Aciduria (e.g. Sloan_2011, Pupavac_2016, Levtova_2019). These data indicate that the variant is very likely to be associated with disease. To our knowledge, no experimental evidence demonstrating an impact on protein function has been reported. Five clinical diagnostic laboratories have submitted clinical-significance assessments for this variant to ClinVar after 2014 without evidence for independent evaluation. All laboratories classified the variant as pathogenic. Based on the evidence outlined above, the variant was classified as pathogenic.

Eurofins Ntd Llc (ga)
Classification: Pathogenic. Last evaluated: 2018-08-14. Review status: criteria provided, single submitter. Criteria: EGL ClinVar v180209 classification definitions. Collection method: clinical testing. Allele origin: germline. Observed: 3 variant alleles, 3 heterozygotes.

Center for Pediatric Genomic Medicine, Children's Mercy Hospital and Clinics
Classification: Pathogenic. Last evaluated: 2014-11-10. Review status: criteria provided, single submitter. Criteria: ACMG Guidelines, 2015. Collection method: clinical testing. Allele origin: germline.

Juno Genomics, Hangzhou Juno Genomics, Inc
Classification: Likely pathogenic for Combined malonic and methylmalonic acidemia. Review status: criteria provided, single submitter. Criteria: ACMG Guidelines, 2015. Collection method: clinical testing. Allele origin: germline. Affected: yes.
Comment: For recessive disorders, detected in trans with a pathogenic variant.;Patient's phenotype or family history is highly specific for a disease with a single genetic etiology.

Kariminejad - Najmabadi Pathology & Genetics Center
Classification: Likely pathogenic for Combined malonic and methylmalonic acidemia. Review status: criteria provided, single submitter. Criteria: ACMG Guidelines, 2015. Collection method: clinical testing. Allele origin: germline. Affected: no.

Molecular Genetics Laboratory, BC Children's and BC Women's Hospitals
Classification: Pathogenic for Combined malonic and methylmalonic acidemia. Last evaluated: 2025-05-13. Review status: no assertion criteria provided. Criteria: ACMG Guidelines, 2015. Collection method: clinical testing. Allele origin: maternal. Affected: yes. Not counted in ClinVar's aggregate classification.

OMIM
Classification: Pathogenic for COMBINED MALONIC AND METHYLMALONIC ACIDURIA. Last evaluated: 2011-08-14. Review status: no assertion criteria provided. Collection method: literature only. Allele origin: germline. Not counted in ClinVar's aggregate classification.

Literature cited by the submitters: PubMed 21841779 (cited by 11 submitters); PubMed 26827111 (cited by 10 submitters); PubMed 28468868 (cited by Ambry Genetics); PubMed 30041674 (cited by Ambry Genetics and Mayo Clinic Laboratories, Mayo Clinic); PubMed 30740739 (cited by 7 submitters); PubMed 31376476 (cited by Variantyx, Inc. and Mayo Clinic Laboratories, Mayo Clinic); PubMed 29555771 (cited by Mayo Clinic Laboratories, Mayo Clinic and Eurofins Ntd Llc (ga)); PubMed 30487145 (cited by Mayo Clinic Laboratories, Mayo Clinic); PubMed 30609409 (cited by Mayo Clinic Laboratories, Mayo Clinic); PubMed 31462756 (cited by Mayo Clinic Laboratories, Mayo Clinic); PubMed 31980526 (cited by Mayo Clinic Laboratories, Mayo Clinic); PubMed 33625768 (cited by Mayo Clinic Laboratories, Mayo Clinic); PubMed 34900860 (cited by Mayo Clinic Laboratories, Mayo Clinic); PubMed 36717752 (cited by Mayo Clinic Laboratories, Mayo Clinic); PubMed 38536866 (cited by Mayo Clinic Laboratories, Mayo Clinic).